The following is an entry in ClinVar:

ClinVar aggregate classification (germline): Benign/Likely benign. Review status: criteria provided, multiple submitters, no conflicts (2 of 4 stars). 5 submissions from 5 submitters: Benign (1); Likely benign (4). Last evaluated 2026-05-01.

Allele frequency attached by ClinVar (database versions not stated): 1000 Genomes Project 0.00200; gnomAD exomes 0.00228; 1000 Genomes Project 30x 0.00234; gnomAD 0.00282 and 0.00290; ExAC 0.00258; TOPMed 0.00271; ESP Exome Variant Server 0.00277.
gnomAD v4.1: 4,464 of 1,591,980 alleles (0.28%); highest among the groups gnomAD compares: Middle Eastern, 0.72%; 7 homozygotes.

Submissions (5):

CeGaT Center for Human Genetics Tuebingen
Classification: Likely benign. Last evaluated: 2026-05-01. Review status: criteria provided, single submitter. Criteria: CeGaT Center For Human Genetics Tuebingen Variant Classification Criteria Version 2. Collection method: clinical testing. Allele origin: germline. Affected: yes. Observed: 14 variant alleles.
Comment: VPS13C: BS2

Labcorp Genetics (formerly Invitae), Labcorp
Classification: Likely benign. Last evaluated: 2026-01-20. Review status: criteria provided, single submitter. Criteria: Invitae Variant Classification Sherloc (09022015). Collection method: clinical testing. Allele origin: germline.

Blueprint Genetics
Classification: Likely benign. Last evaluated: 2024-11-26. Review status: criteria provided, single submitter. Criteria: ACMG Guidelines, 2015. Collection method: clinical testing. Allele origin: germline.

Mayo Clinic Laboratories, Mayo Clinic
Classification: Benign. Last evaluated: 2024-06-19. Review status: criteria provided, single submitter. Criteria: ACMG Guidelines, 2015. Collection method: clinical testing. Allele origin: germline. Observed: 7 variant alleles.
Comment: BS1, BS2, BP4

Breakthrough Genomics
Classification: Likely benign. Review status: criteria provided, single submitter. Criteria: ACMG Guidelines, 2015. Collection method: not provided. Allele origin: germline. Inheritance: Autosomal recessive inheritance. Affected: yes.

Literature cited by the submitters: PubMed 33579389 (cited by Mayo Clinic Laboratories, Mayo Clinic).

NM_020821.3(VPS13C):c.8711C>T (p.Ser2904Leu)

Gene: VPS13C (vacuolar protein sorting 13 homolog C; minus strand). Cytogenetic location: 15q22.2.
Variant type: single nucleotide variant.
Coding change: c.8711C>T on transcript NM_020821.3 (MANE Select); coding-DNA position 8711, C replaced by T.
Protein change: p.Ser2904Leu; replaces serine 2904 with leucine.
Molecular consequence: missense variant.
Genome position (GRCh38, 1-based): chr15:61,911,844, G>A on the plus strand (C>T on the coding strand, the complement: VPS13C is on the minus strand). VCF-style: chr15-61911844-G-A. GRCh37 (hg19) VCF-style: chr15-62204043-G-A.
Other names: p.Ser2904Leu; c.8711C>T, p.Ser2904Leu (NM_001018088.3); c.8582C>T, p.Ser2861Leu (NM_017684.5, NM_018080.4); short protein forms S2861L, S2904L.
Identifiers: ClinVar variation 769884 (VCV000769884.48), dbSNP rs115869241, ClinGen allele CA7594912.